The following is an entry in ClinVar:

NM_002691.4(POLD1):c.2910C>T (p.Phe970=)

Gene: POLD1 (DNA polymerase delta 1, catalytic subunit; plus strand). Cytogenetic location: 19q13.33.
Variant type: single nucleotide variant.
Coding change: c.2910C>T on transcript NM_002691.4 (MANE Select); coding-DNA position 2910, C replaced by T.
Protein change: p.Phe970=; no amino-acid change (phenylalanine 970 retained).
Molecular consequence: synonymous variant. On other transcripts: non-coding transcript variant (1).
Genome position (GRCh38, 1-based): chr19:50,416,485, C>T. VCF-style: chr19-50416485-C-T. GRCh37 (hg19) VCF-style: chr19-50919742-C-T.
Other names: c.2910C>T, p.Phe970= (NM_001256849.1); c.2988C>T, p.Phe996= (NM_001308632.1).
Identifiers: ClinVar variation 239318 (VCV000239318.24), dbSNP rs757740787, ClinGen allele CA9596683.
Genomic context (GRCh38, chr19:50,416,485, plus strand): 5'-GCCCATTGACACGCAGTACTACCTGGAGCAGCAGCTGGCCAAGCCCCTCCTGCGCATCTT[C>T]GAGCCCATCCTGGGCGAGGGCCGTGCCGAGGCTGTGCTACTGCGTACGGGGGCACCAGGG-3'
Protein context (NP_002682.2, residues 960-980): QQLAKPLLRI[Phe970=]EPILGEGRAE

ClinVar aggregate classification (germline): Likely benign. Review status: criteria provided, multiple submitters, no conflicts (2 of 4 stars). 6 submissions from 6 submitters: Likely benign (5). 1 of the submissions does not count toward it. Last evaluated 2025-12-29.

Conditions:
POLD1-related disorder. Also called: POLD1-related condition; POLD1-related disorders.
Hereditary cancer-predisposing syndrome. Also called: Hereditary Cancer Syndrome; Neoplastic Syndromes, Hereditary; Hereditary neoplastic syndrome; Tumor predisposition. Identifiers: Orphanet 140162, MedGen C0027672, MeSH D009386, MONDO:0015356.
POLD1-related polyposis and colorectal cancer syndrome (CRCS10). Also called: COLORECTAL CANCER, SUSCEPTIBILITY TO, ON CHROMOSOME 19q; Colorectal cancer 10; Colorectal cancer, susceptibility to, 10. Identifiers: Orphanet 220460, MedGen C2675481, MONDO:0012953, OMIM 612591.

Allele frequency attached by ClinVar (database versions not stated): gnomAD 0.00003 and 0.00004; TOPMed 0.00003; ExAC 0.00005; gnomAD exomes 0.00002.
gnomAD v4.1: 39 of 1,551,748 alleles (0.0025%); highest among the groups gnomAD compares: Admixed American, 0.0039%; no homozygotes.

Submissions (6):

Center for Genomic Medicine, Rigshospitalet, Copenhagen University Hospital
Classification: Likely benign. Last evaluated: 2025-12-29. Review status: criteria provided, single submitter. Criteria: ACMG Guidelines, 2015. Collection method: clinical testing. Allele origin: germline.

Labcorp Genetics (formerly Invitae), Labcorp
Classification: Likely benign for POLD1-related polyposis and colorectal cancer syndrome. Last evaluated: 2025-12-18. Review status: criteria provided, single submitter. Criteria: Invitae Variant Classification Sherloc (09022015). Collection method: clinical testing. Allele origin: germline.

GeneDx
Classification: Likely benign. Last evaluated: 2018-11-21. Review status: criteria provided, single submitter. Criteria: GeneDx Variant Classification Process June 2021. Collection method: clinical testing. Allele origin: germline. Affected: yes.

Quest Diagnostics Nichols Institute San Juan Capistrano
Classification: Likely benign. Last evaluated: 2018-02-09. Review status: criteria provided, single submitter. Criteria: Quest Diagnostics criteria. Collection method: clinical testing. Allele origin: germline.

Ambry Genetics
Classification: Likely benign for Hereditary cancer-predisposing syndrome. Last evaluated: 2016-06-15. Review status: criteria provided, single submitter. Criteria: Ambry Variant Classification Scheme 2023. Collection method: clinical testing. Allele origin: germline.

PreventionGenetics, part of Exact Sciences
Classification: Likely benign for POLD1-related condition. Last evaluated: 2019-12-17. Review status: no assertion criteria provided. Collection method: clinical testing. Allele origin: germline. Not counted in ClinVar's aggregate classification.
Comment: This variant is classified as likely benign based on ACMG/AMP sequence variant interpretation guidelines (Richards et al. 2015 PMID: 25741868, with internal and published modifications).